The following is an entry in ClinVar:

NM_018896.5(CACNA1G):c.3055T>C (p.Cys1019Arg)

Gene: CACNA1G (calcium voltage-gated channel subunit alpha1 G; plus strand). Cytogenetic location: 17q21.33.
Variant type: single nucleotide variant.
Coding change: c.3055T>C on transcript NM_018896.5 (MANE Select); coding-DNA position 3055, T replaced by C.
Protein change: p.Cys1019Arg; replaces cysteine 1019 with arginine.
Molecular consequence: missense variant. On other transcripts: non-coding transcript variant (5).
Genome position (GRCh38, 1-based): chr17:50,596,637, T>C. VCF-style: chr17-50596637-T-C. GRCh37 (hg19) VCF-style: chr17-48673998-T-C.
Other names: c.3055T>C, p.Cys1019Arg (NM_001256324.2, NM_001256325.2, NM_001256326.2 and 16 more transcripts); c.2986T>C, p.Cys996Arg (NM_001256332.2, NM_198376.3, NM_198379.3 and 5 more transcripts); short protein forms C1019R, C996R.
Identifiers: ClinVar variation 1810021 (VCV001810021.1), dbSNP rs962784610, ClinGen allele CA291617640.

ClinVar aggregate classification (germline): Uncertain significance (1 of 4 stars; one submission).

Submission:

GeneDx
Classification: Uncertain significance. Last evaluated: 2022-12-29. Review status: criteria provided, single submitter. Criteria: GeneDx Variant Classification Process June 2021. Collection method: clinical testing. Allele origin: germline. Affected: yes.
Comment: Not observed at significant frequency in large population cohorts (gnomAD); In silico analysis supports that this missense variant does not alter protein structure/function; Has not been previously published as pathogenic or benign to our knowledge